The following is an entry in ClinVar:

ClinVar aggregate classification (germline): Uncertain significance (1 of 4 stars; one submission).

Submission:

Dasa
Classification: Uncertain significance. Last evaluated: 2025-01-20. Review status: criteria provided, single submitter. Criteria: DASA Assertion Criteria. Collection method: clinical testing. Allele origin: germline.
Comment: NM_181552.4(CUX1):c.1609A>G (p.Ser537Gly) is a missense variant that results in the substitution of serine with glycine. This variant is absent from population databases. Computational prediction algorithms are consistent with a benign effect. The currently available literature and clinical evidence are not sufficient to establish a definitive association between this variant and the reported condition. Therefore, this variant is classified as a variant of uncertain significance.

NM_181552.4(CUX1):c.1609A>G (p.Ser537Gly)

Gene: CUX1 (cut like homeobox 1; plus strand). Cytogenetic location: 7q22.1.
Variant type: single nucleotide variant.
Coding change: c.1609A>G on transcript NM_181552.4 (MANE Select); coding-DNA position 1609, A replaced by G.
Protein change: p.Ser537Gly; replaces serine 537 with glycine.
Molecular consequence: missense variant. On other transcripts: intron variant (5).
Genome position (GRCh38, 1-based): chr7:102,197,020, A>G. VCF-style: chr7-102197020-A-G. GRCh37 (hg19) VCF-style: chr7-101840300-A-G.
Other names: c.1642A>G, p.Ser548Gly (NM_001202543.2); c.1255+1417A>G (NM_001913.5); c.1249+1417A>G (NM_181500.4); c.1117+1417A>G (NM_001202545.3); c.1207+1417A>G (NM_001202544.3); c.1138+1417A>G (NM_001202546.3); short protein forms S537G, S548G.
Identifiers: ClinVar variation 4881285 (VCV004881285.2).